The following is an entry in ClinVar:

NM_000540.3(RYR1):c.874C>T (p.Leu292Phe)

Gene: RYR1 (ryanodine receptor 1; plus strand). Cytogenetic location: 19q13.2.
Variant type: single nucleotide variant.
Coding change: c.874C>T on transcript NM_000540.3 (MANE Select); coding-DNA position 874, C replaced by T.
Protein change: p.Leu292Phe; replaces leucine 292 with phenylalanine.
Molecular consequence: missense variant.
Genome position (GRCh38, 1-based): chr19:38,448,428, C>T. VCF-style: chr19-38448428-C-T. GRCh37 (hg19) VCF-style: chr19-38939068-C-T.
Other names: c.874C>T, p.Leu292Phe (NM_001042723.2); short protein forms L292F.
Identifiers: ClinVar variation 891881 (VCV000891881.6), dbSNP rs1966901541, ClinGen allele CA405681408.

ClinVar aggregate classification (germline): Uncertain significance. Review status: criteria provided, multiple submitters, no conflicts (2 of 4 stars). 5 submissions from 3 submitters: Uncertain significance (5). Last evaluated 2026-04-28.

Conditions:
Inborn genetic diseases. Identifiers: MedGen C0950123, MeSH D030342.
Malignant hyperthermia, susceptibility to, 1 (MHS1). Also called: RYR1-Related Malignant Hyperthermia Susceptibility; Anesthesia related hyperthermia; Malignant hyperpyrexia; Fulminating hyperpyrexia; Pharmacogenic myopathy; Malignant hyperthermia suceptibility 1. Identifiers: Orphanet 423, MedGen C2930980, MONDO:0007783, OMIM 145600.
Central core myopathy (CMYO1A). Also called: CONGENITAL MYOPATHY 1A, AUTOSOMAL DOMINANT, WITH SUSCEPTIBILITY TO MALIGNANT HYPERTHERMIA; Central core disease; Myopathy, central fibrillar. Identifiers: Orphanet 597, MedGen C5830701, MONDO:0007294, OMIM 117000.
Congenital multicore myopathy with external ophthalmoplegia (CMYO1B). Also called: Minicore myopathy; Congenital myopathy 1B, autosomal recessive; MULTICORE MYOPATHY; MULTIMINICORE DISEASE WITH EXTERNAL OPHTHALMOPLEGIA; Minicore myopathy with external ophthalmoplegia. Identifiers: Orphanet 598, Orphanet 98905, MedGen C1850674, MONDO:0009712, OMIM 255320, HP:0003789.

Submissions (5):

Ambry Genetics
Classification: Uncertain significance for Inborn genetic diseases. Last evaluated: 2026-04-28. Review status: criteria provided, single submitter. Criteria: Ambry Variant Classification Scheme 2023. Collection method: clinical testing. Allele origin: germline.

All of Us Research Program, National Institutes of Health
Classification: Uncertain significance for Malignant hyperthermia, susceptibility to, 1. Last evaluated: 2023-12-13. Review status: criteria provided, single submitter. Criteria: ACMG Guidelines, 2015. Collection method: clinical testing. Allele origin: germline. Inheritance: Autosomal dominant inheritance. Observed: 1 variant allele, 1 heterozygote.
Comment: This missense variant replaces leucine with phenylalanine at codon 292 of the RYR1 protein. Computational prediction is inconclusive regarding the impact of this variant on protein structure and function (internally defined REVEL score threshold 0.5 < inconclusive < 0.7, PMID: 27666373). To our knowledge, functional studies have not been reported for this variant. This variant has not been reported in individuals affected with RYR1-related disorders in the literature. This variant has not been identified in the general population by the Genome Aggregation Database (gnomAD). The available evidence is insufficient to determine the role of this variant in disease conclusively. Therefore, this variant is classified as a Variant of Uncertain Significance.

This study involves interpretation of variants in research participants for the purpose of population health screening. Participant phenotype was not available at the time of variant classification. Additional details can be found in publication PMID: 35346344, PMCID: PMC8962531

Illumina Laboratory Services, Illumina
Classification: Uncertain significance for Central core myopathy. Last evaluated: 2018-01-13. Review status: criteria provided, single submitter. Criteria: ICSL Variant Classification Criteria 13 December 2019. Collection method: clinical testing. Allele origin: germline.

Illumina Laboratory Services, Illumina
Classification: Uncertain significance for Congenital multicore myopathy with external ophthalmoplegia. Last evaluated: 2018-01-13. Review status: criteria provided, single submitter. Criteria: ICSL Variant Classification Criteria 13 December 2019. Collection method: clinical testing. Allele origin: germline.

Illumina Laboratory Services, Illumina
Classification: Uncertain significance for Malignant hyperthermia, susceptibility to, 1. Last evaluated: 2018-01-13. Review status: criteria provided, single submitter. Criteria: ICSL Variant Classification Criteria 13 December 2019. Collection method: clinical testing. Allele origin: germline.